The following is an entry in ClinVar:

NM_198428.3(BBS9):c.1591C>T (p.Leu531=)

Gene: BBS9 (Bardet-Biedl syndrome 9; plus strand). Cytogenetic location: 7p14.3.
Variant type: single nucleotide variant.
Coding change: c.1591C>T on transcript NM_198428.3 (MANE Select); coding-DNA position 1591, C replaced by T.
Protein change: p.Leu531=; no amino-acid change (leucine 531 retained).
Molecular consequence: synonymous variant. On other transcripts: non-coding transcript variant (3).
Genome position (GRCh38, 1-based): chr7:33,357,893, C>T. VCF-style: chr7-33357893-C-T. GRCh37 (hg19) VCF-style: chr7-33397505-C-T.
Other names: c.1486C>T, p.Leu496= (NM_001033604.2); c.1576C>T, p.Leu526= (NM_001033605.2); c.1591C>T, p.Leu531= (NM_001348036.1, NM_001348041.4, NM_001348043.3 and 3 more transcripts); c.1225C>T, p.Leu409= (NM_001348037.3, NM_001348045.3, NM_001348046.3); c.1318C>T, p.Leu440= (NM_001348038.3); c.1213C>T, p.Leu405= (NM_001348039.3); c.1471C>T, p.Leu491= (NM_001348040.3, NM_014451.4); c.1456C>T, p.Leu486= (NM_001348042.3); and 2 more.
Identifiers: ClinVar variation 2786715 (VCV002786715.4), dbSNP rs1291400920, ClinGen allele CA454451014.

ClinVar aggregate classification (germline): Likely benign. Review status: criteria provided, multiple submitters, no conflicts (2 of 4 stars). 2 submissions from 2 submitters: Likely benign (2). Last evaluated 2025-03-07.

Conditions:
BBS9-related disorder. Also called: BBS9-related condition.
Bardet-Biedl syndrome (BBS). Identifiers: Orphanet 110, MedGen C0752166, MONDO:0015229.

Allele frequency attached by ClinVar (database versions not stated): gnomAD 0.00001; TOPMed below 0.00001.
gnomAD v4.1: 3 of 1,611,882 alleles (0.00019%); highest among the groups gnomAD compares: East Asian, 0.0022%; no homozygotes.

Submissions (2):

PreventionGenetics, part of Exact Sciences
Classification: Likely benign for BBS9-related condition. Last evaluated: 2025-03-07. Review status: criteria provided, single submitter. Criteria: ACMG Guidelines, 2015. Collection method: clinical testing. Allele origin: germline.
Comment: This variant is classified as likely benign based on ACMG/AMP sequence variant interpretation guidelines (Richards et al. 2015 PMID: 25741868, with internal and published modifications).

Labcorp Genetics (formerly Invitae), Labcorp
Classification: Likely benign for Bardet-Biedl syndrome. Last evaluated: 2023-12-03. Review status: criteria provided, single submitter. Criteria: Invitae Variant Classification Sherloc (09022015). Collection method: clinical testing. Allele origin: germline.